The following is an entry in ClinVar:

ClinVar aggregate classification (germline): Likely benign (1 of 4 stars; one submission).

Submission:

Women's Health and Genetics/Laboratory Corporation of America, LabCorp
Classification: Likely benign. Last evaluated: 2024-02-01. Review status: criteria provided, single submitter. Criteria: LabCorp Variant Classification Summary - May 2015. Collection method: clinical testing. Allele origin: germline.
Comment: Variant summary: SMARCD1 c.772-12delT alters a non-conserved nucleotide located at a position not widely known to affect splicing. Consensus agreement among computation tools predict no significant impact on normal splicing. However, these predictions have yet to be confirmed by functional studies. The variant allele was found at a frequency of 4e-06 in 250768 control chromosomes. The available data on variant occurrences in the general population are insufficient to allow any conclusion about variant significance. To our knowledge, no occurrence of c.772-12delT in individuals affected with Coffin-Siris Syndrome 11 and no experimental evidence demonstrating its impact on protein function have been reported. No submitters have cited clinical-significance assessments for this variant to ClinVar. Based on the evidence outlined above, the variant was classified as likely benign.

NM_003076.5(SMARCD1):c.772-12del

Gene: SMARCD1 (SWI/SNF related BAF chromatin remodeling complex subunit D1; plus strand). Cytogenetic location: 12q13.12.
Variant type: Deletion.
Coding change: c.772-12del on transcript NM_003076.5 (MANE Select); 12 bases into the intron before coding-DNA position 772, one base deleted (T; older notation c.772-12delT).
Molecular consequence: intron variant.
Genome position (GRCh38, 1-based): chr12:50,089,872, T deleted; the last of 2 consecutive T bases (chr12:50,089,871-50,089,872); deleting either gives the same sequence. VCF-style (leftmost placement, unchanged base first): chr12-50089870-CT-C. GRCh37 (hg19) VCF-style: chr12-50483653-CT-C.
Other names: c.772-12del (NM_139071.3); c.772-12delT (NM_003076.5).
Identifiers: ClinVar variation 3068998 (VCV003068998.2), dbSNP rs1565739418, ClinGen allele CA919084325.